The following is an entry in ClinVar:

ClinVar aggregate classification (germline): Uncertain significance. Review status: criteria provided, multiple submitters, no conflicts (2 of 4 stars). 5 submissions from 5 submitters: Uncertain significance (5). Last evaluated 2026-06-30.

Conditions:
ABCG8-related disorder. Also called: ABCG8-related condition.
Sitosterolemia 1. Identifiers: MedGen C2749759, MONDO:0020747, OMIM 210250.
Cardiovascular phenotype. Identifiers: MedGen CN230736.

Allele frequency attached by ClinVar (database versions not stated): gnomAD exomes 0.00002; ExAC 0.00004; ESP Exome Variant Server 0.00008; TOPMed 0.00014; gnomAD 0.00015; 1000 Genomes Project 0.00040; 1000 Genomes Project 30x 0.00047.
gnomAD v4.1: 34 of 1,614,120 alleles (0.0021%); highest among the groups gnomAD compares: African/African-American, 0.037%; no homozygotes.

Submissions (5):

PreventionGenetics, part of Exact Sciences
Classification: Uncertain significance for ABCG8-related condition. Last evaluated: 2026-06-30. Review status: criteria provided, single submitter. Criteria: ACMG Guidelines, 2015. Collection method: clinical testing. Allele origin: germline.
Comment: The ABCG8 c.1845G>C variant is predicted to result in the amino acid substitution p.Met615Ile. This variant has been reported in a cohort with familial hypercholesterolemia (Supplemental Table 1, Lamiquiz-Moneo et al. 2017. PubMed ID: 29066094). This variant is reported in 0.032% of alleles in individuals of African descent in gnomAD. At this time, the clinical significance of this variant is uncertain due to the absence of conclusive functional and genetic evidence.

Ambry Genetics
Classification: Uncertain significance for Cardiovascular phenotype. Last evaluated: 2025-11-25. Review status: criteria provided, single submitter. Criteria: Ambry Variant Classification Scheme 2023. Collection method: clinical testing. Allele origin: germline.

Labcorp Genetics (formerly Invitae), Labcorp
Classification: Uncertain significance. Last evaluated: 2024-06-09. Review status: criteria provided, single submitter. Criteria: Invitae Variant Classification Sherloc (09022015). Collection method: clinical testing. Allele origin: germline.
Comment: This sequence change replaces methionine, which is neutral and non-polar, with isoleucine, which is neutral and non-polar, at codon 615 of the ABCG8 protein (p.Met615Ile). This variant is present in population databases (rs371711306, gnomAD 0.03%). This variant has not been reported in the literature in individuals affected with ABCG8-related conditions. ClinVar contains an entry for this variant (Variation ID: 597119). Advanced modeling of protein sequence and biophysical properties (such as structural, functional, and spatial information, amino acid conservation, physicochemical variation, residue mobility, and thermodynamic stability) performed at Invitae indicates that this missense variant is not expected to disrupt ABCG8 protein function with a negative predictive value of 80%. In summary, the available evidence is currently insufficient to determine the role of this variant in disease. Therefore, it has been classified as a Variant of Uncertain Significance.

Revvity Omics, Revvity
Classification: Uncertain significance for Sitosterolemia 1. Last evaluated: 2024-04-09. Review status: criteria provided, single submitter. Criteria: ACMG Guidelines, 2015. Collection method: clinical testing. Allele origin: germline.

Eurofins Ntd Llc (ga)
Classification: Uncertain significance. Last evaluated: 2018-05-23. Review status: criteria provided, single submitter. Criteria: EGL ClinVar v180209 classification definitions. Collection method: clinical testing. Allele origin: germline. Observed: 1 variant allele, 1 heterozygote.

NM_022437.3(ABCG8):c.1845G>C (p.Met615Ile)

Gene: ABCG8 (ATP binding cassette subfamily G member 8; plus strand). Cytogenetic location: 2p21.
Variant type: single nucleotide variant.
Coding change: c.1845G>C on transcript NM_022437.3 (MANE Select); coding-DNA position 1845, G replaced by C.
Protein change: p.Met615Ile; replaces methionine 615 with isoleucine.
Molecular consequence: missense variant.
Genome position (GRCh38, 1-based): chr2:43,877,649, G>C. VCF-style: chr2-43877649-G-C. GRCh37 (hg19) VCF-style: chr2-44104788-G-C.
Other names: c.1845G>C (NM_022437.2); c.1842G>C, p.Met614Ile (NM_001357321.2); short protein forms M615I, M614I.
Identifiers: ClinVar variation 597119 (VCV000597119.13), dbSNP rs371711306, ClinGen allele CA1637681.